The following is an entry in ClinVar:

ClinVar aggregate classification (germline): Uncertain significance (1 of 4 stars; one submission).

Allele frequency attached by ClinVar (database versions not stated): gnomAD 0.00001; TOPMed 0.00001; ExAC 0.00005.
gnomAD v4.1: 33 of 1,613,824 alleles (0.002%); highest among the groups gnomAD compares: South Asian, 0.016%; no homozygotes.

Submission:

Labcorp Genetics (formerly Invitae), Labcorp
Classification: Uncertain significance. Last evaluated: 2023-11-07. Review status: criteria provided, single submitter. Criteria: Invitae Variant Classification Sherloc (09022015). Collection method: clinical testing. Allele origin: germline.
Comment: This sequence change replaces arginine, which is basic and polar, with tryptophan, which is neutral and slightly polar, at codon 9 of the SLC7A9 protein (p.Arg9Trp). This variant is present in population databases (rs754575013, gnomAD 0.03%). This variant has not been reported in the literature in individuals affected with SLC7A9-related conditions. An algorithm developed to predict the effect of missense changes on protein structure and function (PolyPhen-2) suggests that this variant is likely to be disruptive. In summary, the available evidence is currently insufficient to determine the role of this variant in disease. Therefore, it has been classified as a Variant of Uncertain Significance.

NM_014270.5(SLC7A9):c.25C>T (p.Arg9Trp)

Gene: SLC7A9 (solute carrier family 7 member 9; minus strand). Cytogenetic location: 19q13.11.
Variant type: single nucleotide variant.
Coding change: c.25C>T on transcript NM_014270.5 (MANE Select); coding-DNA position 25, C replaced by T.
Protein change: p.Arg9Trp; replaces arginine 9 with tryptophan.
Molecular consequence: missense variant.
Genome position (GRCh38, 1-based): chr19:32,868,510, G>A on the plus strand (C>T on the coding strand, the complement: SLC7A9 is on the minus strand). VCF-style: chr19-32868510-G-A. GRCh37 (hg19) VCF-style: chr19-33359416-G-A.
Other names: c.25C>T, p.Arg9Trp (NM_001126335.2, NM_001243036.2); short protein forms R9W.
Identifiers: ClinVar variation 2723688 (VCV002723688.3), dbSNP rs754575013, ClinGen allele CA9358982.
Genomic context (GRCh38, chr19:32,868,510, plus strand): 5'-CCTTTTGGAGACTGGTGGTCTTAGGCTCTTGGCTCTGGATCGACTTCTCATCCTCTCTCC[G>A]CTTTCTCAGGCCAGTATCCCCCATGTTTCCTCCTGCTGGTTCCAGGAGACTGCAAGGAGG-3'
Protein context (NP_055085.1, residues 1-19): MGDTGLRK[Arg9Trp]REDEKSIQSQ